The following is an entry in ClinVar:

ClinVar aggregate classification (germline): Likely pathogenic (1 of 4 stars; one submission).

Conditions:
Rhabdoid tumor predisposition syndrome 2 (RTPS2). Identifiers: Orphanet 231108, Orphanet 69077, MedGen C2750074, MONDO:0013224, OMIM 613325.

Submission:

Labcorp Genetics (formerly Invitae), Labcorp
Classification: Likely pathogenic for Rhabdoid tumor predisposition syndrome 2. Last evaluated: 2024-04-08. Review status: criteria provided, single submitter. Criteria: Invitae Variant Classification Sherloc (09022015). Collection method: clinical testing. Allele origin: germline.
Comment: This sequence change replaces glycine, which is neutral and non-polar, with alanine, which is neutral and non-polar, at codon 951 of the SMARCA4 protein (p.Gly951Ala). This variant is not present in population databases (gnomAD no frequency). This variant has not been reported in the literature in individuals affected with SMARCA4-related conditions. Advanced modeling of protein sequence and biophysical properties (such as structural, functional, and spatial information, amino acid conservation, physicochemical variation, residue mobility, and thermodynamic stability) performed at Invitae indicates that this missense variant is expected to disrupt SMARCA4 protein function with a positive predictive value of 95%. This variant disrupts the p.Gly951 amino acid residue in SMARCA4. Other variant(s) that disrupt this residue have been determined to be pathogenic (PMID: 32686290). This suggests that this residue is clinically significant, and that variants that disrupt this residue are likely to be disease-causing. In summary, the currently available evidence indicates that the variant is pathogenic, but additional data are needed to prove that conclusively. Therefore, this variant has been classified as Likely Pathogenic.

Literature cited by the submitters: PubMed 32686290.

NM_003072.5(SMARCA4):c.2852G>C (p.Gly951Ala)

Gene: SMARCA4 (SWI/SNF related BAF chromatin remodeling complex subunit ATPase 4; plus strand). Cytogenetic location: 19p13.2.
Variant type: single nucleotide variant.
Coding change: c.2852G>C on transcript NM_003072.5 (MANE Select); coding-DNA position 2852, G replaced by C.
Protein change: p.Gly951Ala; replaces glycine 951 with alanine.
Molecular consequence: missense variant. On other transcripts: non-coding transcript variant (1).
Genome position (GRCh38, 1-based): chr19:11,021,960, G>C. VCF-style: chr19-11021960-G-C. GRCh37 (hg19) VCF-style: chr19-11132636-G-C.
Other names: c.2852G>C, p.Gly951Ala (NM_001411150.1, NM_001387283.1, NM_001128844.3 and 6 more transcripts); short protein forms G951A.
Identifiers: ClinVar variation 2696362 (VCV002696362.3), dbSNP rs2146423728, ClinGen allele CA404057130.